The following is an entry in ClinVar:

NM_000245.4(MET):c.2915A>G (p.Asp972Gly)

Gene: MET (MET proto-oncogene, receptor tyrosine kinase; plus strand). Cytogenetic location: 7q31.2.
Variant type: single nucleotide variant.
Coding change: c.2915A>G on transcript NM_000245.4 (MANE Select); coding-DNA position 2915, A replaced by G.
Protein change: p.Asp972Gly; replaces aspartic acid 972 with glycine.
Molecular consequence: missense variant.
Genome position (GRCh38, 1-based): chr7:116,771,876, A>G. VCF-style: chr7-116771876-A-G. GRCh37 (hg19) VCF-style: chr7-116411930-A-G.
Other names: c.2969A>G, p.Asp990Gly (NM_001127500.3); c.1625A>G, p.Asp542Gly (NM_001324402.2); short protein forms D542G, D972G, D990G.
Identifiers: ClinVar variation 4053982 (VCV004053982.1).
Genomic context (GRCh38, chr7:116,771,876, plus strand): 5'-TTTAACAAGCTCTTTCTTTCTCTCTGTTTTAAGATCTGGGCAGTGAATTAGTTCGCTACG[A>G]TGCAAGAGTACACACTCCTCATTTGGATAGGCTTGTAAGTGCCCGAAGTGTAAGCCCAAC-3'
Protein context (NP_000236.2, residues 962-982): KDLGSELVRY[Asp972Gly]ARVHTPHLDR

ClinVar aggregate classification (germline): Uncertain significance (1 of 4 stars; one submission).

Conditions:
Hereditary cancer-predisposing syndrome. Also called: Neoplastic Syndromes, Hereditary; Tumor predisposition; Hereditary neoplastic syndrome; Hereditary Cancer Syndrome. Identifiers: Orphanet 140162, MedGen C0027672, MeSH D009386, MONDO:0015356.

Submission:

Ambry Genetics
Classification: Uncertain significance for Hereditary cancer-predisposing syndrome. Last evaluated: 2025-06-02. Review status: criteria provided, single submitter. Criteria: Ambry Variant Classification Scheme 2023. Collection method: clinical testing. Allele origin: germline.
Comment: The p.D990G variant (also known as c.2969A>G), located in coding exon 13 of the MET gene, results from an A to G substitution at nucleotide position 2969. The aspartic acid at codon 990 is replaced by glycine, an amino acid with similar properties. This amino acid position is conserved. In addition, this alteration is predicted to be deleterious by in silico analysis. Based on the available evidence, the clinical significance of this variant remains unclear.